The following is an entry in ClinVar:

ClinVar aggregate classification (germline): Uncertain significance (1 of 4 stars; one submission).

Allele frequency attached by ClinVar (database versions not stated): gnomAD exomes below 0.00001; ExAC 0.00001.
gnomAD v4.1: 5 of 1,611,626 alleles (0.00031%); highest among the groups gnomAD compares: South Asian, 0.0055%; no homozygotes.

Submission:

Ambry Genetics
Classification: Uncertain significance. Last evaluated: 2024-01-31. Review status: criteria provided, single submitter. Criteria: Ambry Variant Classification Scheme 2023. Collection method: clinical testing. Allele origin: germline.
Comment: The p.S999N variant (also known as c.2996G>A), located in coding exon 17 of the PKP4 gene, results from a G to A substitution at nucleotide position 2996. The serine at codon 999 is replaced by asparagine, an amino acid with highly similar properties. This amino acid position is conserved. In addition, this alteration is predicted to be tolerated by in silico analysis. Based on the available evidence, the clinical significance of this alteration remains unclear.

NM_003628.6(PKP4):c.2996G>A (p.Ser999Asn)

Genes: PKP4 (plakophilin 4; plus strand), PKP4-AS1 (PKP4 antisense RNA 1; minus strand). Cytogenetic location: 2q24.1.
Variant type: single nucleotide variant.
Coding change: c.2996G>A on transcript NM_003628.6 (MANE Select); coding-DNA position 2996, G replaced by A.
Protein change: p.Ser999Asn; replaces serine 999 with asparagine.
Molecular consequence: missense variant.
Genome position (GRCh38, 1-based): chr2:158,673,748, G>A. VCF-style: chr2-158673748-G-A. GRCh37 (hg19) VCF-style: chr2-159530260-G-A.
Other names: c.2996G>A, p.Ser999Asn (NM_001005476.4, NM_001377218.1, NM_001377225.1); c.2993G>A, p.Ser998Asn (NM_001304969.3, NM_001377219.1, NM_001377220.1 and 2 more transcripts); c.1967G>A, p.Ser656Asn (NM_001304970.3); c.2990G>A, p.Ser997Asn (NM_001377222.1, NM_001377223.1); c.2987G>A, p.Ser996Asn (NM_001377224.1); short protein forms S656N, S996N, S997N, S998N, S999N.
Identifiers: ClinVar variation 3223519 (VCV003223519.1), dbSNP rs754275377, ClinGen allele CA1921167.